The following is an entry in ClinVar:

ClinVar aggregate classification (germline): Uncertain significance (1 of 4 stars; one submission).

Submission:

GeneDx
Classification: Uncertain significance. Last evaluated: 2025-04-25. Review status: criteria provided, single submitter. Criteria: GeneDx Variant Classification Process June 2021. Collection method: clinical testing. Allele origin: germline. Affected: yes.
Comment: Not observed at significant frequency in large population cohorts (gnomAD); In silico analysis supports that this missense variant has a deleterious effect on protein structure/function; Has not been previously published as pathogenic or benign to our knowledge

NM_001348716.2(KDM6B):c.4720T>G (p.Tyr1574Asp)

Gene: KDM6B (lysine demethylase 6B; plus strand). Cytogenetic location: 17p13.1.
Variant type: single nucleotide variant.
Coding change: c.4720T>G on transcript NM_001348716.2 (MANE Select); coding-DNA position 4720, T replaced by G.
Protein change: p.Tyr1574Asp; replaces tyrosine 1574 with aspartic acid.
Molecular consequence: missense variant.
Genome position (GRCh38, 1-based): chr17:7,853,109, T>G. VCF-style: chr17-7853109-T-G. GRCh37 (hg19) VCF-style: chr17-7756427-T-G.
Other names: c.4720T>G, p.Tyr1574Asp (NM_001080424.2); short protein forms Y1574D.
Identifiers: ClinVar variation 4527450 (VCV004527450.1).